The following is an entry in ClinVar:

NM_000090.4(COL3A1):c.2689G>A (p.Gly897Ser)

Gene: COL3A1 (collagen type III alpha 1 chain; plus strand). Cytogenetic location: 2q32.2.
Variant type: single nucleotide variant.
Coding change: c.2689G>A on transcript NM_000090.4 (MANE Select); coding-DNA position 2689, G replaced by A.
Protein change: p.Gly897Ser; replaces glycine 897 with serine.
Molecular consequence: missense variant.
Genome position (GRCh38, 1-based): chr2:189,004,009, G>A. VCF-style: chr2-189004009-G-A. GRCh37 (hg19) VCF-style: chr2-189868735-G-A.
Other names: p.G897S:GGT>AGT; short protein forms G897S.
Identifiers: ClinVar variation 199735 (VCV000199735.17), dbSNP rs794728054, ClinGen allele CA005604.
Genomic context (GRCh38, chr2:189,004,009, plus strand): 5'-ATAAATATTCAAATTTCAAACAATTATTTGTAGGGTAACCCAGGACCCCCAGGTCCCAGC[G>A]GTTCTCCAGGCAAGGATGGGCCCCCAGGTCCTGCGGGTAACACTGGTGCTCCTGGCAGCC-3'
Protein context (NP_000081.2, residues 887-907): NGNPGPPGPS[Gly897Ser]SPGKDGPPGP

ClinVar aggregate classification (germline): Pathogenic/Likely pathogenic. Review status: criteria provided, multiple submitters, no conflicts (2 of 4 stars). 7 submissions from 7 submitters: Pathogenic (1); Likely pathogenic (6). Last evaluated 2026-09-21.

Conditions:
COL3A1-related disorder. Also called: COL3A1-related condition.
Familial thoracic aortic aneurysm and aortic dissection (TAAD). Also called: Thoracic aortic aneurysms and dissections. Identifiers: Orphanet 91387, MedGen C4707243, MONDO:0019625.
Ehlers-Danlos syndrome, type 4 (EDSVASC). Also called: Ehlers-Danlos syndrome vascular type; Ehlers Danlos syndrome, ecchymotic type; Ehlers Danlos syndrome, arterial type; Ehlers Danlos syndrome, Sack-Barabas type; Ehlers-Danlos Syndrome Type IV. Identifiers: Orphanet 286, MedGen C0268338, MONDO:0017314, OMIM 130050.

Allele frequency attached by ClinVar (database versions not stated): gnomAD exomes below 0.00001; TOPMed below 0.00001; gnomAD 0.00001.
gnomAD v4.1: 2 of 1,612,416 alleles (0.00012%); highest among the groups gnomAD compares: Non-Finnish European, 0.00017%; no homozygotes.

Submissions (7):

GeneDx
Classification: Pathogenic. Last evaluated: 2026-09-21. Review status: criteria provided, single submitter. Criteria: GeneDx Variant Classification Process June 2021. Collection method: clinical testing. Allele origin: germline.
Comment: Occurs in the triple helical domain and replaces the glycine in the canonical Gly-X-Y repeat; missense substitution of a canonical glycine residue is expected to disrupt normal protein folding and function, and this is an established mechanism of disease (HGMD); Not observed at significant frequency in large population cohorts (gnomAD); In silico analysis supports that this missense variant has a deleterious effect on protein structure/function; This variant is associated with the following publications: (PMID: 35543214, 40204032, 35699227, 41999216)

Women's Health and Genetics/Laboratory Corporation of America, LabCorp
Classification: Likely pathogenic for Ehlers-Danlos syndrome, type 4. Last evaluated: 2026-06-09. Review status: criteria provided, single submitter. Criteria: LabCorp Variant Classification Summary - May 2015. Collection method: clinical testing. Allele origin: germline.
Comment: Variant summary: COL3A1 c.2689G>A (p.Gly897Ser) results in a non-conservative amino acid change in the encoded protein sequence. Algorithms developed to predict the effect of missense changes on protein structure and function all suggest that this variant is likely to be disruptive. This variant disrupts the triple helix domain of COL3A1. Glycine residues within the Gly-Xaa-Yaa repeats of the triple helix domain are required for the structure and stability of fibrillar collagens (PMID: 7695699, 8218237, 19344236). The variant allele was found at a frequency of 4e-06 in 249220 control chromosomes. c.2689G>A has been observed in the heterozygous state in at least 1 individual(s) affected with autosomal dominant vascular Ehlers-Danlos syndrome (example, Yagi_2022) as well as in other individuals with clinical suspicion of COL3A1-related conditions (example, Schirwani_2022, Slyst_2022). To our knowledge, no experimental evidence demonstrating an impact on protein function has been reported. The following publications have been ascertained in the context of this evaluation (PMID: 35543214, 35964932, 35699227). ClinVar contains an entry for this variant (Variation ID: 199735). Based on the evidence outlined above, the variant was classified as likely pathogenic for autosomal dominant Ehlers-Danlos syndrome, type 4 and autosomal recessive Polymicrogyria with or without vascular-type Ehlers-Danlos syndrome.

Labcorp Genetics (formerly Invitae), Labcorp
Classification: Likely pathogenic for Ehlers-Danlos syndrome, type 4. Last evaluated: 2024-11-18. Review status: criteria provided, single submitter. Criteria: Invitae Variant Classification Sherloc (09022015). Collection method: clinical testing. Allele origin: germline.
Comment: This sequence change replaces glycine, which is neutral and non-polar, with serine, which is neutral and polar, at codon 897 of the COL3A1 protein (p.Gly897Ser). This variant is present in population databases (rs794728054, gnomAD 0.0009%). This missense change has been observed in individual(s) with COL3A1-related conditions (PMID: 35543214, 35699227). ClinVar contains an entry for this variant (Variation ID: 199735). Invitae Evidence Modeling of protein sequence and biophysical properties (such as structural, functional, and spatial information, amino acid conservation, physicochemical variation, residue mobility, and thermodynamic stability) indicates that this missense variant is expected to disrupt COL3A1 protein function with a positive predictive value of 95%. This variant disrupts the triple helix domain of COL3A1. Glycine residues within the Gly-Xaa-Yaa repeats of the triple helix domain are required for the structure and stability of fibrillar collagens (PMID: 7695699, 8218237, 19344236). In COL3A1, variants that affect these glycine residues are significantly enriched in individuals with disease (PMID: 24922459, 25758994) compared to the general population (ExAC). In summary, the currently available evidence indicates that the variant is pathogenic, but additional data are needed to prove that conclusively. Therefore, this variant has been classified as Likely Pathogenic.

Color Diagnostics, LLC DBA Color Health
Classification: Likely pathogenic for Familial thoracic aortic aneurysm and aortic dissection. Last evaluated: 2024-03-18. Review status: criteria provided, single submitter. Criteria: ACMG Guidelines, 2015. Collection method: clinical testing. Allele origin: germline.
Comment: This missense variant replaces glycine with serine at codon 897 of the COL3A1 protein. This variant changes one of the conserved glycine residues within the Gly-Xaa-Yaa repeat motifs of the triple helical domain of the COL3A1 protein. Although functional studies have not been performed for this variant, conserved glycine residues within the Gly-Xaa-Yaa repeats are required for the structural stability of fibrillar collagens (PMID: 7695699, 8218237, 19344236) and missense variants occurring at these glycine residues have been associated with disease (PMID: 24922459, 25758994). This variant has been reported in individuals affected with vascular Ehlers-Danlos syndrome (PMID: 35699227, doi:10.1038/s41431-019-0494-2), and in an individual affected with nonsyndromic arteriopathy (PMID: 35543214). This variant has been identified in 1/249220 chromosomes in the general population by the Genome Aggregation Database (gnomAD). Based on the available evidence, this variant is classified as Likely Pathogenic.

All of Us Research Program, National Institutes of Health
Classification: Likely pathogenic for Ehlers-Danlos syndrome, type 4. Last evaluated: 2023-11-20. Review status: criteria provided, single submitter. Criteria: ACMG Guidelines, 2015. Collection method: clinical testing. Allele origin: germline. Inheritance: Autosomal dominant inheritance. Observed: 1 variant allele, 1 heterozygote.
Comment: This missense variant replaces glycine with serine at codon 897 of the COL3A1 protein. This variant changes one of the conserved glycine residues within the Gly-Xaa-Yaa repeat motifs of the triple helical domain of the COL3A1 protein. Although functional studies have not been performed for this variant, conserved glycine residues within the Gly-Xaa-Yaa repeats are required for the structural stability of fibrillar collagens (PMID: 7695699, 8218237, 19344236) and missense variants occurring at these glycine residues have been associated with disease (PMID: 24922459, 25758994). This variant has been reported in individuals affected with vascular Ehlers-Danlos syndrome (PMID: 35699227, doi:10.1038/s41431-019-0494-2), and in an individual affected with nonsyndromic arteriopathy (PMID: 35543214). This variant has been identified in 1/249220 chromosomes in the general population by the Genome Aggregation Database (gnomAD). Based on the available evidence, this variant is classified as Likely Pathogenic.

This study involves interpretation of variants in research participants for the purpose of population health screening. Participant phenotype was not available at the time of variant classification. Additional details can be found in publication PMID: 35346344, PMCID: PMC8962531

Blueprint Genetics
Classification: Likely pathogenic for COL3A1-related disorders. Last evaluated: 2020-12-01. Review status: criteria provided, single submitter. Criteria: ACMG Guidelines, 2015. Collection method: clinical testing. Allele origin: germline. Affected: yes. Observed: 4 variant alleles.

Juno Genomics, Hangzhou Juno Genomics, Inc
Classification: Likely pathogenic for Ehlers-Danlos syndrome, type 4. Review status: criteria provided, single submitter. Criteria: ACMG Guidelines, 2015. Collection method: clinical testing. Allele origin: germline. Affected: yes.
Comment: Absent from controls (or at extremely low frequency if recessive) in Genome Aggregation Database, Exome Sequencing Project, 1000 Genomes Project, or Exome Aggregation Consortium.;Multiple lines of computational evidence support a deleterious effect on the gene or gene product (conservation, evolutionary, splicing impact, etc).;Missense variant in a gene that has a low rate of benign missense variation and where missense variants are a common mechanism of disease.;The prevalence of the variant in affected individuals is significantly increased compared to the prevalence in controls.

Literature cited by the submitters: PubMed 35699227 (cited by 4 submitters); PubMed 35964932 (cited by Women's Health and Genetics/Laboratory Corporation of America, LabCorp); PubMed 35543214 (cited by 4 submitters); PubMed 7695699 (cited by 3 submitters); PubMed 8218237 (cited by 3 submitters); PubMed 19344236 (cited by 3 submitters); PubMed 24922459 (cited by 3 submitters); PubMed 25758994 (cited by 3 submitters).